The following is an entry in ClinVar:

NM_015346.4(ZFYVE26):c.4282_4283delinsT (p.Arg1428fs)

Gene: ZFYVE26 (zinc finger FYVE-type containing 26; minus strand). Cytogenetic location: 14q24.1.
Variant type: Indel.
Coding change: c.4282_4283delinsT on transcript NM_015346.4 (MANE Select); coding-DNA positions 4282 to 4283, CG replaced by T.
Protein change: p.Arg1428fs; shifts the reading frame from arginine 1428.
Molecular consequence: frameshift variant.
Genome position (GRCh38, 1-based): chr14:67,782,869-67,782,870, CG replaced by A on the plus strand (CG replaced by T on the coding strand, the reverse complement: ZFYVE26 is on the minus strand). VCF-style: chr14-67782869-CG-A. GRCh37 (hg19) VCF-style: chr14-68249586-CG-A.
Other names: short protein forms R1428fs.
Identifiers: ClinVar variation 1726492 (VCV001726492.2), dbSNP rs2502805041, ClinGen allele CA2580088643.

ClinVar aggregate classification (germline): Likely pathogenic (1 of 4 stars; one submission).

Conditions:
Hereditary spastic paraplegia 15 (SPG15). Also called: SPASTIC PARAPLEGIA 15, AUTOSOMAL RECESSIVE; KJELLIN SYNDROME; SPASTIC PARAPLEGIA AND RETINAL DEGENERATION. Identifiers: Orphanet 100996, MedGen C1849128, MONDO:0010044, OMIM 270700.

Submission:

Myriad Genetics, Inc.
Classification: Likely pathogenic for Hereditary spastic paraplegia 15. Last evaluated: 2021-12-17. Review status: criteria provided, single submitter. Criteria: Myriad Women's Health Autosomal Recessive and X-Linked Classification Criteria (2021). Collection method: clinical testing. Allele origin: unknown.
Comment: NM_015346.3(ZFYVE26):c.4282_4283delCGinsT(R1428Wfs*16) is expected to be pathogenic in the context of spastic paraplegia type 15. This variant is predicted to lead to an abnormal or absent protein product due to the creation of a premature termination codon in ZFYVE26, a gene where loss-of-function variants are known to be pathogenic. Please note: this variant was assessed in the context of healthy population screening.